The following is an entry in ClinVar:

ClinVar aggregate classification (germline): Uncertain significance (1 of 4 stars; one submission).

Conditions:
Hereditary cancer-predisposing syndrome. Also called: Neoplastic Syndromes, Hereditary; Hereditary Cancer Syndrome; Hereditary neoplastic syndrome; Tumor predisposition. Identifiers: Orphanet 140162, MedGen C0027672, MeSH D009386, MONDO:0015356.

Submission:

Ambry Genetics
Classification: Uncertain significance for Hereditary cancer-predisposing syndrome. Last evaluated: 2023-04-20. Review status: criteria provided, single submitter. Criteria: Ambry Variant Classification Scheme 2023. Collection method: clinical testing. Allele origin: germline.
Comment: The p.G830C variant (also known as c.2488G>T), located in coding exon 16 of the BRIP1 gene, results from a G to T substitution at nucleotide position 2488. The glycine at codon 830 is replaced by cysteine, an amino acid with highly dissimilar properties. This variant was not reported in population based cohorts in the following databases: Database of Single Nucleotide Polymorphisms (dbSNP), NHLBI Exome Sequencing Project (ESP), and 1000 Genomes Project. In the ESP, this variant was not observed in 6503 samples (13006 alleles) with coverage at this position. To date, this alteration has been detected with an allele frequency of approximately 0.001% (greater than 175000 alleles tested) in our clinical cohort. This amino acid position is highly conserved in available vertebrate species. The ESEfinder in silico splice prediction software predicts the creation of a new alternate splice acceptor site; however experimental evidence is not currently available. In addition, this alteration is predicted to be deleterious by in silico analysis. Since supporting evidence is limited at this time, the clinical significance of this alteration remains unclear.

NM_032043.3(BRIP1):c.2488G>T (p.Gly830Cys)

Gene: BRIP1 (BRCA1 interacting DNA helicase 1; minus strand). Cytogenetic location: 17q23.2.
Variant type: single nucleotide variant.
Coding change: c.2488G>T on transcript NM_032043.3 (MANE Select); coding-DNA position 2488, G replaced by T.
Protein change: p.Gly830Cys; replaces glycine 830 with cysteine.
Molecular consequence: missense variant.
Genome position (GRCh38, 1-based): chr17:61,715,955, C>A on the plus strand (G>T on the coding strand, the complement: BRIP1 is on the minus strand). VCF-style: chr17-61715955-C-A. GRCh37 (hg19) VCF-style: chr17-59793316-C-A.
Other names: short protein forms G830C.
Identifiers: ClinVar variation 479432 (VCV000479432.6), dbSNP rs876659062, ClinGen allele CA400479392.